The following is an entry in ClinVar:

NM_000059.4(BRCA2):c.3328G>A (p.Glu1110Lys)

Gene: BRCA2 (BRCA2 DNA repair associated; plus strand). Cytogenetic location: 13q13.1.
Variant type: single nucleotide variant.
Coding change: c.3328G>A on transcript NM_000059.4 (MANE Select); coding-DNA position 3328, G replaced by A.
Protein change: p.Glu1110Lys; replaces glutamic acid 1110 with lysine.
Molecular consequence: missense variant.
Genome position (GRCh38, 1-based): chr13:32,337,683, G>A. VCF-style: chr13-32337683-G-A. GRCh37 (hg19) VCF-style: chr13-32911820-G-A.
Other names: c.3328G>A, p.Glu1110Lys (NM_001406719.1, NM_001406720.1); short protein forms E1110K.
Identifiers: ClinVar variation 2013460 (VCV002013460.7), dbSNP rs1555283173, ClinGen allele CA387776261.

ClinVar aggregate classification (germline): Conflicting classifications of pathogenicity. Review status: criteria provided, conflicting classifications (1 of 4 stars). 3 submissions from 3 submitters: Uncertain significance (2); Likely benign (1). Last evaluated 2024-11-26.

Conditions:
Hereditary cancer-predisposing syndrome. Also called: Hereditary Cancer Syndrome; Neoplastic Syndromes, Hereditary; Hereditary neoplastic syndrome; Tumor predisposition. Identifiers: Orphanet 140162, MedGen C0027672, MeSH D009386, MONDO:0015356.
Hereditary breast ovarian cancer syndrome. Also called: Hereditary breast and/or ovarian cancer syndrome; Hereditary breast and ovarian cancer syndrome; BRCA1- and BRCA2-Associated Hereditary Breast and Ovarian Cancer; Breast and ovarian cancer; Hereditary breast and ovarian cancer; Hereditary breast and ovarian cancer syndrome (HBOC). Identifiers: Orphanet 145, MedGen C0677776, MeSH D061325, MONDO:0003582. Disease mechanism: loss of function.

Submissions (3):

Ambry Genetics
Classification: Uncertain significance for Hereditary cancer-predisposing syndrome. Last evaluated: 2024-11-26. Review status: criteria provided, single submitter. Criteria: Ambry Variant Classification Scheme 2023. Collection method: clinical testing. Allele origin: germline.
Comment: The p.E1110K variant (also known as c.3328G>A), located in coding exon 10 of the BRCA2 gene, results from a G to A substitution at nucleotide position 3328. The glutamic acid at codon 1110 is replaced by lysine, an amino acid with similar properties. This amino acid position is highly conserved in available vertebrate species. In addition, the in silico prediction for this alteration is inconclusive. Based on the available evidence, the clinical significance of this variant remains unclear.

University of Washington Department of Laboratory Medicine, University of Washington
Classification: Likely benign for Hereditary cancer-predisposing syndrome. Last evaluated: 2023-03-23. Review status: criteria provided, single submitter. Criteria: Dines et al. (Genet Med. 2020). Collection method: curation. Allele origin: germline.
Comment: Missense variant in a coldspot region where missense variants are very unlikely to be pathogenic (PMID:31911673).

BRCA2 exon 11 coldspot. Reclassification based on statistical prior probability.

Labcorp Genetics (formerly Invitae), Labcorp
Classification: Uncertain significance for Hereditary breast ovarian cancer syndrome. Last evaluated: 2023-01-13. Review status: criteria provided, single submitter. Criteria: Invitae Variant Classification Sherloc (09022015). Collection method: clinical testing. Allele origin: germline.
Comment: This variant is not present in population databases (gnomAD no frequency). This variant has not been reported in the literature in individuals affected with BRCA2-related conditions. Advanced modeling of protein sequence and biophysical properties (such as structural, functional, and spatial information, amino acid conservation, physicochemical variation, residue mobility, and thermodynamic stability) performed at Invitae indicates that this missense variant is not expected to disrupt BRCA2 protein function. In summary, the available evidence is currently insufficient to determine the role of this variant in disease. Therefore, it has been classified as a Variant of Uncertain Significance. This sequence change replaces glutamic acid, which is acidic and polar, with lysine, which is basic and polar, at codon 1110 of the BRCA2 protein (p.Glu1110Lys).